The following is an entry in ClinVar:

ClinVar aggregate classification (germline): Likely benign (1 of 4 stars; one submission).

Submission:

CeGaT Center for Human Genetics Tuebingen
Classification: Likely benign. Last evaluated: 2022-07-01. Review status: criteria provided, single submitter. Criteria: CeGaT Center For Human Genetics Tuebingen Variant Classification Criteria Version 2. Collection method: clinical testing. Allele origin: germline. Affected: yes. Observed: 1 variant allele.
Comment: RTN4: PM2:Supporting, BP4, BP7

NM_020532.5(RTN4):c.381A>T (p.Ala127=)

Gene: RTN4 (reticulon 4; minus strand). Cytogenetic location: 2p16.1.
Variant type: single nucleotide variant.
Coding change: c.381A>T on transcript NM_020532.5 (MANE Select); coding-DNA position 381, A replaced by T.
Protein change: p.Ala127=; no amino-acid change (alanine 127 retained).
Molecular consequence: synonymous variant. On other transcripts: intron variant (3).
Genome position (GRCh38, 1-based): chr2:55,049,920, T>A on the plus strand (A>T on the coding strand, the complement: RTN4 is on the minus strand). VCF-style: chr2-55049920-T-A. GRCh37 (hg19) VCF-style: chr2-55277056-T-A.
Other names: c.381A>T, p.Ala127= (NM_153828.3, NM_207520.2); c.-62-21700A>T (NM_001321904.2); c.-63+797A>T (NM_001321859.2); c.-63+508A>T (NM_001321860.1).
Identifiers: ClinVar variation 2650942 (VCV002650942.24), dbSNP rs2528783618, ClinGen allele CA426415449.
Genomic context (GRCh38, chr2:55,049,920, plus strand): 5'-GGGAGGAGGGGGAGGCCGGGCCGGAGGCTCGTCGTCCTCAGGGAGCTTGGAGGGCGAGAC[T>A]GCGGCAGCAGACAGCGGGGATGGCGCGGGCACGGTCGACGACACCGGGCTCGGGTCCCAA-3'
Protein context (NP_065393.1, residues 117-137): VPAPSPLSAA[Ala127=]VSPSKLPEDD